The following is an entry in ClinVar:

ClinVar aggregate classification (germline): Uncertain significance (1 of 4 stars; one submission).

Conditions:
Hereditary cancer-predisposing syndrome. Also called: Neoplastic Syndromes, Hereditary; Tumor predisposition; Hereditary neoplastic syndrome; Hereditary Cancer Syndrome. Identifiers: Orphanet 140162, MedGen C0027672, MeSH D009386, MONDO:0015356.

Submission:

Ambry Genetics
Classification: Uncertain significance for Hereditary cancer-predisposing syndrome. Last evaluated: 2026-07-06. Review status: criteria provided, single submitter. Criteria: Ambry Variant Classification Scheme 2023. Collection method: clinical testing. Allele origin: germline.
Comment: The p.A148P variant (also known as c.442G>C), located in coding exon 3 of the NTHL1 gene, results from a G to C substitution at nucleotide position 442. The alanine at codon 148 is replaced by proline, an amino acid with highly similar properties. This amino acid position is conserved. In addition, the in silico prediction for this alteration is inconclusive. Based on the available evidence, the clinical significance of this variant remains unclear.

NM_002528.7(NTHL1):c.418G>C (p.Ala140Pro)

Gene: NTHL1 (nth like DNA glycosylase 1; minus strand). Cytogenetic location: 16p13.3.
Variant type: single nucleotide variant.
Coding change: c.418G>C on transcript NM_002528.7 (MANE Select); coding-DNA position 418, G replaced by C.
Protein change: p.Ala140Pro; replaces alanine 140 with proline.
Molecular consequence: missense variant. On other transcripts: intron variant (1).
Genome position (GRCh38, 1-based): chr16:2,044,737, C>G on the plus strand (G>C on the coding strand, the complement: NTHL1 is on the minus strand). VCF-style: chr16-2044737-C-G. GRCh37 (hg19) VCF-style: chr16-2094738-C-G.
Other names: c.88G>C, p.Ala30Pro (NM_001318194.2); c.355-1011G>C (NM_001318193.2); short protein forms A30P, A140P.
Identifiers: ClinVar variation 5025889 (VCV005025889.1).